The following is an entry in ClinVar:

ClinVar aggregate classification (germline): Uncertain significance (1 of 4 stars; one submission).

Conditions:
Familial acute necrotizing encephalopathy (IIAE3). Also called: ENCEPHALOPATHY, ACUTE, INFECTION-INDUCED, SUSCEPTIBILITY TO, 3; Susceptibility to Acute Necrotizing Encephalopathy 1. Identifiers: Orphanet 88619, MedGen C2675556, MONDO:0011953, OMIM 608033.

Allele frequency attached by ClinVar (database versions not stated): gnomAD exomes below 0.00001 and 0.00001.
gnomAD v4.1: 7 of 1,611,874 alleles (0.00043%); highest among the groups gnomAD compares: East Asian, 0.0045%; no homozygotes.

Submission:

Labcorp Genetics (formerly Invitae), Labcorp
Classification: Uncertain significance for Familial acute necrotizing encephalopathy. Last evaluated: 2020-11-06. Review status: criteria provided, single submitter. Criteria: Invitae Variant Classification Sherloc (09022015). Collection method: clinical testing. Allele origin: germline.
Comment: Nucleotide substitutions within the consensus splice site are a relatively common cause of aberrant splicing (PMID: 17576681, 9536098). Algorithms developed to predict the effect of sequence changes on RNA splicing suggest that this variant is not likely to affect RNA splicing, but this prediction has not been confirmed by published transcriptional studies. This variant has not been reported in the literature in individuals with RANBP2-related conditions. This variant is not present in population databases (ExAC no frequency). This sequence change falls in intron 15 of the RANBP2 gene. It does not directly change the encoded amino acid sequence of the RANBP2 protein. It affects a nucleotide within the consensus splice site of the intron. In summary, the available evidence is currently insufficient to determine the role of this variant in disease. Therefore, it has been classified as a Variant of Uncertain Significance.

Literature cited by the submitters: PubMed 17576681; PubMed 9536098.

NM_006267.5(RANBP2):c.2202+3A>G

Gene: RANBP2 (RAN binding protein 2; plus strand). Cytogenetic location: 2q13.
Variant type: single nucleotide variant.
Coding change: c.2202+3A>G on transcript NM_006267.5 (MANE Select); 3 bases into the intron after coding-DNA position 2202, A replaced by G.
Molecular consequence: intron variant.
Genome position (GRCh38, 1-based): chr2:108,753,974, A>G. VCF-style: chr2-108753974-A-G. GRCh37 (hg19) VCF-style: chr2-109370430-A-G.
Identifiers: ClinVar variation 1504413 (VCV001504413.7), dbSNP rs1451783103, ClinGen allele CA535146567.